The following is an entry in ClinVar:

ClinVar aggregate classification (germline): Uncertain significance. Review status: criteria provided, multiple submitters, no conflicts (2 of 4 stars). 3 submissions from 3 submitters: Uncertain significance (3). Last evaluated 2024-02-24.

Conditions:
Hereditary spastic paraplegia 48. Also called: SPASTIC PARAPLEGIA 48, AUTOSOMAL RECESSIVE; Spastic paraplegia 48. Identifiers: Orphanet 306511, MedGen C3150901, MONDO:0013342, OMIM 613647.

Allele frequency attached by ClinVar (database versions not stated): gnomAD 0.00007.
gnomAD v4.1: 45 of 1,612,554 alleles (0.0028%); highest among the groups gnomAD compares: African/African-American, 0.04%; no homozygotes.

Submissions (3):

Labcorp Genetics (formerly Invitae), Labcorp
Classification: Uncertain significance for Hereditary spastic paraplegia 48. Last evaluated: 2024-02-24. Review status: criteria provided, single submitter. Criteria: Invitae Variant Classification Sherloc (09022015). Collection method: clinical testing. Allele origin: germline.
Comment: This sequence change replaces threonine, which is neutral and polar, with asparagine, which is neutral and polar, at codon 167 of the AP5Z1 protein (p.Thr167Asn). This variant is present in population databases (rs748108455, gnomAD 0.03%). This missense change has been observed in individual(s) with hereditary spastic paraplegia (PMID: 27606357). ClinVar contains an entry for this variant (Variation ID: 1339197). Advanced modeling of protein sequence and biophysical properties (such as structural, functional, and spatial information, amino acid conservation, physicochemical variation, residue mobility, and thermodynamic stability) performed at Invitae indicates that this missense variant is not expected to disrupt AP5Z1 protein function with a negative predictive value of 80%. In summary, the available evidence is currently insufficient to determine the role of this variant in disease. Therefore, it has been classified as a Variant of Uncertain Significance.

Revvity Omics, Revvity
Classification: Uncertain significance for Hereditary spastic paraplegia 48. Last evaluated: 2024-02-02. Review status: criteria provided, single submitter. Criteria: ACMG Guidelines, 2015. Collection method: clinical testing. Allele origin: germline.

Neuberg Centre For Genomic Medicine, NCGM
Classification: Uncertain significance for Hereditary spastic paraplegia 48. Review status: criteria provided, single submitter. Criteria: ACMG Guidelines, 2015. Collection method: clinical testing. Allele origin: germline. Affected: yes.
Comment: The missense variant p.T167N in AP5Z1 (NM_014855.3) has been previously reported in compound heterozygous state with c.2010C>A in a patient with spastic paraplegia (Hirst J et al, 2016). No functional studies were performed. The p.T167N variant is observed in 4/15,366 (0.026%) alleles from individuals of African background in gnomAD Exomes and is novel (not in any individuals) in 1000 Genomes. In silico tools are contradictory: SIFT- damaging, Polyphen-Tolerated and the residue is weakly conserved. For these reasons, this variant has been classified as Uncertain Significance.

Literature cited by the submitters: PubMed 27606357 (cited by Labcorp Genetics (formerly Invitae), Labcorp).

NM_014855.3(AP5Z1):c.500C>A (p.Thr167Asn)

Gene: AP5Z1 (adaptor related protein complex 5 subunit zeta 1; plus strand). Cytogenetic location: 7p22.1.
Variant type: single nucleotide variant.
Coding change: c.500C>A on transcript NM_014855.3 (MANE Select); coding-DNA position 500, C replaced by A.
Protein change: p.Thr167Asn; replaces threonine 167 with asparagine.
Molecular consequence: missense variant. On other transcripts: non-coding transcript variant (1).
Genome position (GRCh38, 1-based): chr7:4,783,449, C>A. VCF-style: chr7-4783449-C-A. GRCh37 (hg19) VCF-style: chr7-4823080-C-A.
Other names: c.32C>A, p.Thr11Asn (NM_001364858.1); short protein forms T11N, T167N.
Identifiers: ClinVar variation 1339197 (VCV001339197.9), dbSNP rs748108455, ClinGen allele CA4137230.